The following is an entry in ClinVar:

ClinVar aggregate classification (germline): Uncertain significance (1 of 4 stars; one submission).

Conditions:
Cardiovascular phenotype. Identifiers: MedGen CN230736.

gnomAD v4.1: 1 of 1,612,606 alleles (0.000062%); highest among the groups gnomAD compares: Non-Finnish European, 0.000085%; no homozygotes.

Submission:

Ambry Genetics
Classification: Uncertain significance for Cardiovascular phenotype. Last evaluated: 2025-10-22. Review status: criteria provided, single submitter. Criteria: Ambry Variant Classification Scheme 2023. Collection method: clinical testing. Allele origin: germline.
Comment: The p.L202V variant (also known as c.604T>G), located in coding exon 6 of the SPRED1 gene, results from a T to G substitution at nucleotide position 604. The leucine at codon 202 is replaced by valine, an amino acid with highly similar properties. This amino acid position is conserved. In addition, this alteration is predicted to be tolerated by in silico analysis. Based on the available evidence, the clinical significance of this variant remains unclear.

NM_152594.3(SPRED1):c.604T>G (p.Leu202Val)

Gene: SPRED1 (sprouty related EVH1 domain containing 1; plus strand). Cytogenetic location: 15q14.
Variant type: single nucleotide variant.
Coding change: c.604T>G on transcript NM_152594.3 (MANE Select); coding-DNA position 604, T replaced by G.
Protein change: p.Leu202Val; replaces leucine 202 with valine.
Molecular consequence: missense variant.
Genome position (GRCh38, 1-based): chr15:38,349,443, T>G. VCF-style: chr15-38349443-T-G. GRCh37 (hg19) VCF-style: chr15-38641644-T-G.
Other names: short protein forms L202V.
Identifiers: ClinVar variation 4615002 (VCV004615002.1).
Genomic context (GRCh38, chr15:38,349,443, plus strand): 5'-ATTCTTGTGTCATTTAAGTAGAAATTGTTTGTATTTTAGATAACATTTGGTCAGCCAGGC[T>G]TGGACATTCAGAGCAGAAGTATGGAATACGTACAGCGGCAAATATCCAAGGAATGTGGAA-3'
Protein context (NP_689807.1, residues 192-212): ANQITFGQPG[Leu202Val]DIQSRSMEYV